The following is an entry in ClinVar:

ClinVar aggregate classification (germline): Uncertain significance (1 of 4 stars; one submission).

Conditions:
Inborn genetic diseases. Identifiers: MedGen C0950123, MeSH D030342.

Allele frequency attached by ClinVar (database versions not stated): gnomAD exomes below 0.00001; ExAC 0.00002.
gnomAD v4.1: 4 of 1,614,210 alleles (0.00025%); highest among the groups gnomAD compares: Non-Finnish European, 0.00034%; no homozygotes.

Submission:

Ambry Genetics
Classification: Uncertain significance for Inborn genetic diseases. Last evaluated: 2018-01-31. Review status: criteria provided, single submitter. Criteria: Ambry Variant Classification Scheme 2023. Collection method: clinical testing. Allele origin: germline.
Comment: The p.Y1293H variant (also known as c.3877T>C), located in coding exon 24 of the CNTNAP2 gene, results from a T to C substitution at nucleotide position 3877. The tyrosine at codon 1293 is replaced by histidine, an amino acid with similar properties. This amino acid position is highly conserved in available vertebrate species. In addition, the in silico prediction for this alteration is inconclusive. Since supporting evidence is limited at this time, the clinical significance of this alteration remains unclear.

NM_014141.6(CNTNAP2):c.3877T>C (p.Tyr1293His)

Gene: CNTNAP2 (contactin associated protein 2; plus strand). Cytogenetic location: 7q36.1.
Variant type: single nucleotide variant.
Coding change: c.3877T>C on transcript NM_014141.6 (MANE Select); coding-DNA position 3877, T replaced by C.
Protein change: p.Tyr1293His; replaces tyrosine 1293 with histidine.
Molecular consequence: missense variant.
Genome position (GRCh38, 1-based): chr7:148,415,497, T>C. VCF-style: chr7-148415497-T-C. GRCh37 (hg19) VCF-style: chr7-148112589-T-C.
Other names: short protein forms Y1293H.
Identifiers: ClinVar variation 1735762 (VCV001735762.2), dbSNP rs748225534, ClinGen allele CA4546829.
Genomic context (GRCh38, chr7:148,415,497, plus strand): 5'-TTCACCATCCTGTGCACCCTGGTCTTCCTGATCCGGTACATGTTCCGCCACAAGGGCACC[T>C]ACCATACCAACGAAGCAAAGGGGGCGGAGTCGGCAGAGAGCGCGGACGCCGCCATCATGA-3'
Protein context (NP_054860.1, residues 1283-1303): IRYMFRHKGT[Tyr1293His]HTNEAKGAES